The following is an entry in ClinVar:

NM_001005373.4(LRSAM1):c.952A>G (p.Asn318Asp)

Gene: LRSAM1 (leucine rich repeat and sterile alpha motif containing 1; plus strand). Cytogenetic location: 9q33.3.
Variant type: single nucleotide variant.
Coding change: c.952A>G on transcript NM_001005373.4 (MANE Select); coding-DNA position 952, A replaced by G.
Protein change: p.Asn318Asp; replaces asparagine 318 with aspartic acid.
Molecular consequence: missense variant. On other transcripts: non-coding transcript variant (2).
Genome position (GRCh38, 1-based): chr9:127,479,887, A>G. VCF-style: chr9-127479887-A-G. GRCh37 (hg19) VCF-style: chr9-130242166-A-G.
Other names: c.952A>G, p.Asn318Asp (NM_001005374.4, NM_001190723.3, NM_001384142.1 and 2 more transcripts); c.163A>G, p.Asn55Asp (NM_001384144.1); short protein forms N318D, N55D.
Identifiers: ClinVar variation 365021 (VCV000365021.22), dbSNP rs1539567, ClinGen allele CA5246768.

ClinVar aggregate classification (germline): Benign. Review status: criteria provided, multiple submitters, no conflicts (2 of 4 stars). 10 submissions from 10 submitters: Benign (8). 2 of the submissions do not count toward it. Last evaluated 2026-02-04.

Conditions:
Charcot-Marie-Tooth disease axonal type 2P. Also called: CHARCOT-MARIE-TOOTH NEUROPATHY, TYPE 2P; Charcot-Marie-Tooth Neuropathy Type 2G; CHARCOT-MARIE-TOOTH DISEASE, AXONAL, TYPE 2G; CMT 2G. Identifiers: Orphanet 300319, Orphanet 99941, MedGen C3280797, MONDO:0013753, OMIM 614436.
Charcot-Marie-Tooth disease. Also called: Charcot-Marie-Tooth Neuropathy; Charcot-Marie-Tooth Hereditary Neuropathy. Identifiers: Orphanet 166, MedGen C0007959, MONDO:0015626.

Allele frequency attached by ClinVar (database versions not stated): 1000 Genomes Project 30x 0.72486; 1000 Genomes Project 0.72724; TOPMed 0.74161; ESP Exome Variant Server 0.74181; gnomAD 0.75123 and 0.75231; ExAC 0.77762; gnomAD exomes 0.77971.
gnomAD v4.1: 1,252,705 of 1,613,908 alleles (78%); highest among the groups gnomAD compares: Admixed American, 83%; 488,141 homozygotes.

Submissions (10):

Labcorp Genetics (formerly Invitae), Labcorp
Classification: Benign for Charcot-Marie-Tooth disease axonal type 2P. Last evaluated: 2026-02-04. Review status: criteria provided, single submitter. Criteria: Invitae Variant Classification Sherloc (09022015). Collection method: clinical testing. Allele origin: germline.

Genome-Nilou Lab
Classification: Benign for Charcot-Marie-Tooth disease axonal type 2P. Last evaluated: 2021-09-05. Review status: criteria provided, single submitter. Criteria: ACMG Guidelines, 2015. Collection method: clinical testing. Allele origin: germline. Affected: no.

Mendelics
Classification: Benign for Charcot-Marie-Tooth disease axonal type 2P. Last evaluated: 2019-05-28. Review status: criteria provided, single submitter. Criteria: Mendelics Assertion Criteria 2017. Collection method: clinical testing. Allele origin: unknown.

Illumina Laboratory Services, Illumina
Classification: Benign for Charcot-Marie-Tooth disease axonal type 2P. Last evaluated: 2018-01-13. Review status: criteria provided, single submitter. Criteria: ICSL Variant Classification Criteria 13 December 2019. Collection method: clinical testing. Allele origin: germline.
Comment: This variant was observed in the ICSL laboratory as part of a predisposition screen in an ostensibly healthy population. It had not been previously curated by ICSL or reported in the Human Gene Mutation Database (HGMD: prior to June 1st, 2018), and was therefore a candidate for classification through an automated scoring system. Utilizing variant allele frequency, disease prevalence and penetrance estimates, and inheritance mode, an automated score was calculated to assess if this variant is too frequent to cause the disease. Based on the score and internal cut-off values, a variant classified as benign is not then subjected to further curation. The score for this variant resulted in a classification of benign for this disease.

Mayo Clinic Laboratories, Mayo Clinic
Classification: Benign. Last evaluated: 2015-08-27. Review status: criteria provided, single submitter. Criteria: ACMG Guidelines, 2015. Collection method: clinical testing. Allele origin: germline. Observed: 1,979 variant alleles.

GeneDx
Classification: Benign. Last evaluated: 2015-03-03. Review status: criteria provided, single submitter. Criteria: GeneDx Variant Classification Process June 2021. Collection method: clinical testing. Allele origin: germline. Affected: yes.

Breakthrough Genomics
Classification: Benign. Review status: criteria provided, single submitter. Criteria: ACMG Guidelines, 2015. Collection method: not provided. Allele origin: germline. Inheritance: Autosomal dominant inheritance. Affected: yes.

Molecular Genetics Laboratory, London Health Sciences Centre
Classification: Benign for Charcot-Marie-Tooth disease. Review status: criteria provided, single submitter. Criteria: ACMG Guidelines, 2015. Collection method: clinical testing. Allele origin: germline. Affected: yes.

Clinical Genetics, Academic Medical Center
Classification: Benign. Review status: no assertion criteria provided. Collection method: clinical testing. Allele origin: germline. Affected: yes. Study: VKGL Data-share Consensus. Not counted in ClinVar's aggregate classification.

Diagnostic Laboratory, Department of Genetics, University Medical Center Groningen
Classification: Benign for Charcot-Marie-Tooth disease axonal type 2P. Review status: no assertion criteria provided. Collection method: clinical testing. Allele origin: germline. Affected: yes. Study: VKGL Data-share Consensus. Not counted in ClinVar's aggregate classification.